The following is an entry in ClinVar:

ClinVar aggregate classification (germline): Uncertain significance. Review status: criteria provided, multiple submitters, no conflicts (2 of 4 stars). 4 submissions from 4 submitters: Uncertain significance (4). Last evaluated 2025-01-27.

Conditions:
DNAJB6-related disorder. Also called: DNAJB6-related condition.
Autosomal dominant limb-girdle muscular dystrophy type 1D (DNAJB6) (LGMDD1). Also called: MUSCULAR DYSTROPHY, LIMB-GIRDLE, TYPE 1D; MUSCULAR DYSTROPHY, AUTOSOMAL DOMINANT, WITH RIMMED VACUOLES; Autosomal dominant limb-girdle muscular dystrophy type 1D; Muscular dystrophy, limb-girdle, autosomal dominant 1. Identifiers: Orphanet 34516, MedGen C4721885, MONDO:0021018, OMIM 603511.

Allele frequency attached by ClinVar (database versions not stated): ExAC 0.00001; gnomAD exomes 0.00001.
gnomAD v4.1: 9 of 1,613,950 alleles (0.00056%); highest among the groups gnomAD compares: Non-Finnish European, 0.00059%; no homozygotes.

Submissions (4):

PreventionGenetics, part of Exact Sciences
Classification: Uncertain significance for DNAJB6-related condition. Last evaluated: 2025-01-27. Review status: criteria provided, single submitter. Criteria: ACMG Guidelines, 2015. Collection method: clinical testing. Allele origin: germline.
Comment: The DNAJB6 c.547A>G variant is predicted to result in the amino acid substitution p.Ser183Gly. This variant was reported in the heterozygous state in an individual with limb girdle muscular dystrophy without further evidence of pathogenicity (Nallamilli et al. 2018. PubMed ID: 30564623). This variant is reported in 0.0018% of alleles in individuals of European (Non-Finnish) descent in gnomAD. At this time, the clinical significance of this variant is uncertain due to the absence of conclusive functional and genetic evidence.

Labcorp Genetics (formerly Invitae), Labcorp
Classification: Uncertain significance for Autosomal dominant limb-girdle muscular dystrophy type 1D (DNAJB6). Last evaluated: 2025-01-05. Review status: criteria provided, single submitter. Criteria: Invitae Variant Classification Sherloc (09022015). Collection method: clinical testing. Allele origin: germline.
Comment: This sequence change replaces serine, which is neutral and polar, with glycine, which is neutral and non-polar, at codon 183 of the DNAJB6 protein (p.Ser183Gly). This variant is present in population databases (rs772598402, gnomAD 0.002%). This missense change has been observed in individual(s) with clinical features of DNAJB6-related conditions (PMID: 30564623). ClinVar contains an entry for this variant (Variation ID: 286253). An algorithm developed to predict the effect of missense changes on protein structure and function outputs the following: PolyPhen-2: "Not Available". The glycine amino acid residue is found in multiple mammalian species, which suggests that this missense change does not adversely affect protein function. In summary, the available evidence is currently insufficient to determine the role of this variant in disease. Therefore, it has been classified as a Variant of Uncertain Significance.

Women's Health and Genetics/Laboratory Corporation of America, LabCorp
Classification: Uncertain significance. Last evaluated: 2024-12-13. Review status: criteria provided, single submitter. Criteria: LabCorp Variant Classification Summary - May 2015. Collection method: clinical testing. Allele origin: germline.
Comment: Variant summary: DNAJB6 c.547A>G (p.Ser183Gly) results in a non-conservative amino acid change in the encoded protein sequence. Three of four in-silico tools predict a benign effect of the variant on protein function. The variant allele was found at a frequency of 8e-06 in 251316 control chromosomes. The available data on variant occurrences in the general population are insufficient to allow any conclusion about variant significance. c.547A>G has been reported in the literature in at least one individual affected with Autosomal dominant limb-girdle muscular dystrophy (Nallamilli_2018). These report(s) do not provide unequivocal conclusions about association of the variant with Autosomal dominant limb-girdle muscular dystrophy type 1D. To our knowledge, no experimental evidence demonstrating an impact on protein function has been reported. The following publication has been ascertained in the context of this evaluation (PMID: 30564623). ClinVar contains an entry for this variant (Variation ID: 286253). Based on the evidence outlined above, the variant was classified as uncertain significance.

Eurofins Ntd Llc (ga)
Classification: Uncertain significance. Last evaluated: 2016-02-12. Review status: criteria provided, single submitter. Criteria: EGL Classification Definitions 2015. Collection method: clinical testing. Allele origin: germline. Observed: 1 variant allele, 1 heterozygote.

Literature cited by the submitters: PubMed 30564623 (cited by Labcorp Genetics (formerly Invitae), Labcorp and Women's Health and Genetics/Laboratory Corporation of America, LabCorp).

NM_058246.4(DNAJB6):c.547A>G (p.Ser183Gly)

Gene: DNAJB6 (DnaJ heat shock protein family (Hsp40) member B6; plus strand). Cytogenetic location: 7q36.3.
Variant type: single nucleotide variant.
Coding change: c.547A>G on transcript NM_058246.4 (MANE Select); coding-DNA position 547, A replaced by G.
Protein change: p.Ser183Gly; replaces serine 183 with glycine.
Molecular consequence: missense variant. On other transcripts: intron variant (1).
Genome position (GRCh38, 1-based): chr7:157,384,935, A>G. VCF-style: chr7-157384935-A-G. GRCh37 (hg19) VCF-style: chr7-157177629-A-G.
Other names: c.547A>G, p.Ser183Gly (NM_005494.3); c.346+17452A>G (NM_001363676.1); c.547A>G (NM_058246.3); short protein forms S183G.
Identifiers: ClinVar variation 286253 (VCV000286253.12), dbSNP rs772598402, ClinGen allele CA4590553.